The following is an entry in ClinVar:

NM_001382391.1(CSPP1):c.1424A>G (p.His475Arg)

Gene: CSPP1 (centrosome and spindle pole associated protein 1; plus strand). Cytogenetic location: 8q13.2.
Variant type: single nucleotide variant.
Coding change: c.1424A>G on transcript NM_001382391.1 (MANE Select); coding-DNA position 1424, A replaced by G.
Protein change: p.His475Arg; replaces histidine 475 with arginine.
Molecular consequence: missense variant.
Genome position (GRCh38, 1-based): chr8:67,116,050, A>G. VCF-style: chr8-67116050-A-G. GRCh37 (hg19) VCF-style: chr8-68028285-A-G.
Other names: c.1343A>G, p.His448Arg (NM_001363131.2); c.1382A>G, p.His461Arg (NM_001363132.2); c.1301A>G, p.His434Arg (NM_001363133.2); c.1490A>G, p.His497Arg (NM_001364869.1); c.1310A>G, p.His437Arg (NM_001364870.1); c.1409A>G, p.His470Arg (NM_024790.7); c.527A>G, p.His176Arg (NM_001291339.2); short protein forms H176R, H448R, H470R, H434R, H437R, H475R, H461R, H497R.
Identifiers: ClinVar variation 1432296 (VCV001432296.8), dbSNP rs2129550870, ClinGen allele CA371199003.

ClinVar aggregate classification (germline): Uncertain significance (1 of 4 stars; one submission).

Conditions:
Joubert syndrome 21 (JBTS21). Identifiers: MedGen C3810212, MONDO:0014288, OMIM 615636.

Submission:

Labcorp Genetics (formerly Invitae), Labcorp
Classification: Uncertain significance for Joubert syndrome 21. Last evaluated: 2021-06-07. Review status: criteria provided, single submitter. Criteria: Invitae Variant Classification Sherloc (09022015). Collection method: clinical testing. Allele origin: germline.
Comment: Algorithms developed to predict the effect of missense changes on protein structure and function (SIFT, PolyPhen-2, Align-GVGD) all suggest that this variant is likely to be tolerated, but these predictions have not been confirmed by published functional studies and their clinical significance is uncertain. In summary, the available evidence is currently insufficient to determine the role of this variant in disease. Therefore, it has been classified as a Variant of Uncertain Significance. This variant has not been reported in the literature in individuals with CSPP1-related conditions. This variant is not present in population databases (ExAC no frequency). This sequence change replaces histidine with arginine at codon 470 of the CSPP1 protein (p.His470Arg). The histidine residue is moderately conserved and there is a small physicochemical difference between histidine and arginine.